The following is an entry in ClinVar:

ClinVar aggregate classification (germline): Uncertain significance. Review status: criteria provided, multiple submitters, no conflicts (2 of 4 stars). 6 submissions from 5 submitters: Uncertain significance (6). Last evaluated 2025-11-10.

Conditions:
NOTCH1-related disorder. Also called: NOTCH1-related condition; NOTCH1-related disorders.
Familial thoracic aortic aneurysm and aortic dissection (TAAD). Also called: Thoracic aortic aneurysms and dissections. Identifiers: Orphanet 91387, MedGen C4707243, MONDO:0019625.
Aortic valve disease 1 (AOVD1). Identifiers: MedGen C3887892, MONDO:0024523, OMIM 109730.
Adams-Oliver syndrome 5 (AOS5). Identifiers: Orphanet 974, MedGen C4014970, MONDO:0014459, OMIM 616028.

Allele frequency attached by ClinVar (database versions not stated): gnomAD 0.00001; TOPMed below 0.00001; ExAC 0.00001.
gnomAD v4.1: 4 of 1,607,820 alleles (0.00025%); highest among the groups gnomAD compares: African/African-American, 0.0013%; no homozygotes.

Submissions (6):

Ambry Genetics
Classification: Uncertain significance for Familial thoracic aortic aneurysm and aortic dissection. Last evaluated: 2025-11-10. Review status: criteria provided, single submitter. Criteria: Ambry Variant Classification Scheme 2023. Collection method: clinical testing. Allele origin: germline.
Comment: The p.P1530S variant (also known as c.4588C>T), located in coding exon 26 of the NOTCH1 gene, results from a C to T substitution at nucleotide position 4588. The proline at codon 1530 is replaced by serine, an amino acid with similar properties. This amino acid position is conserved. In addition, the in silico prediction for this alteration is inconclusive. Based on the available evidence, the clinical significance of this variant remains unclear.

PreventionGenetics, part of Exact Sciences
Classification: Uncertain significance for NOTCH1-related condition. Last evaluated: 2024-11-15. Review status: criteria provided, single submitter. Criteria: ACMG Guidelines, 2015. Collection method: clinical testing. Allele origin: germline.
Comment: The NOTCH1 c.4588C>T variant is predicted to result in the amino acid substitution p.Pro1530Ser. To our knowledge, this variant has not been reported in the literature. This variant is reported in 0.0071% of alleles in individuals of African descent in gnomAD. At this time, the clinical significance of this variant is uncertain due to the absence of conclusive functional and genetic evidence.

Genome-Nilou Lab
Classification: Uncertain significance for Adams-Oliver syndrome 5. Last evaluated: 2022-03-15. Review status: criteria provided, single submitter. Criteria: ACMG Guidelines, 2015. Collection method: clinical testing. Allele origin: germline. Affected: no.

Genome-Nilou Lab
Classification: Uncertain significance for Aortic valve disease 1. Last evaluated: 2022-03-15. Review status: criteria provided, single submitter. Criteria: ACMG Guidelines, 2015. Collection method: clinical testing. Allele origin: germline. Affected: no.

Labcorp Genetics (formerly Invitae), Labcorp
Classification: Uncertain significance for Adams-Oliver syndrome 5. Last evaluated: 2021-10-31. Review status: criteria provided, single submitter. Criteria: Invitae Variant Classification Sherloc (09022015). Collection method: clinical testing. Allele origin: germline.
Comment: This sequence change replaces proline, which is neutral and non-polar, with serine, which is neutral and polar, at codon 1530 of the NOTCH1 protein (p.Pro1530Ser). The frequency data for this variant in the population databases is considered unreliable, as metrics indicate poor data quality at this position in the gnomAD database. This variant has not been reported in the literature in individuals affected with NOTCH1-related conditions. Algorithms developed to predict the effect of missense changes on protein structure and function (SIFT, PolyPhen-2, Align-GVGD) all suggest that this variant is likely to be disruptive. In summary, the available evidence is currently insufficient to determine the role of this variant in disease. Therefore, it has been classified as a Variant of Uncertain Significance.

CHEO Genetics Diagnostic Laboratory, Children's Hospital of Eastern Ontario
Classification: Uncertain significance for Familial thoracic aortic aneurysm and aortic dissection. Last evaluated: 2020-01-13. Review status: criteria provided, single submitter. Criteria: ACMG Guidelines, 2015. Collection method: clinical testing. Allele origin: germline.

NM_017617.5(NOTCH1):c.4588C>T (p.Pro1530Ser)

Gene: NOTCH1 (notch receptor 1; minus strand). Cytogenetic location: 9q34.3.
Variant type: single nucleotide variant.
Coding change: c.4588C>T on transcript NM_017617.5 (MANE Select); coding-DNA position 4588, C replaced by T.
Protein change: p.Pro1530Ser; replaces proline 1530 with serine.
Molecular consequence: missense variant.
Genome position (GRCh38, 1-based): chr9:136,505,103, G>A on the plus strand (C>T on the coding strand, the complement: NOTCH1 is on the minus strand). VCF-style: chr9-136505103-G-A. GRCh37 (hg19) VCF-style: chr9-139399555-G-A.
Other names: c.4588C>T (NM_017617.4); short protein forms P1530S.
Identifiers: ClinVar variation 1329310 (VCV001329310.10), dbSNP rs750808945, ClinGen allele CA5340559.